The following is an entry in ClinVar:

ClinVar aggregate classification (germline): Likely benign. Review status: criteria provided, multiple submitters, no conflicts (2 of 4 stars). 4 submissions from 4 submitters: Likely benign (4). Last evaluated 2025-05-29.

Conditions:
Inborn genetic diseases. Identifiers: MedGen C0950123, MeSH D030342.
DYNC1H1-related disorder. Also called: DYNC1H1-related condition; DYNC1H1-related disorders. Identifiers: MedGen CN381529.
Charcot-Marie-Tooth disease axonal type 2O. Also called: CHARCOT-MARIE-TOOTH NEUROPATHY, AXONAL, TYPE 2O; CHARCOT-MARIE-TOOTH DISEASE, AXONAL, AUTOSOMAL DOMINANT, TYPE 2O; Charcot-Marie-Tooth Neuropathy Type 2O; Charcot-Marie-Tooth disease, axonal, type 20. Identifiers: Orphanet 284232, MedGen C3280220, MONDO:0013644, OMIM 614228.

Allele frequency attached by ClinVar (database versions not stated): ExAC 0.00003; gnomAD 0.00009; TOPMed 0.00010; 1000 Genomes Project 30x 0.00031; 1000 Genomes Project 0.00040.
gnomAD v4.1: 46 of 1,613,742 alleles (0.0029%); highest among the groups gnomAD compares: African/African-American, 0.035%; no homozygotes.

Submissions (4):

PreventionGenetics, part of Exact Sciences
Classification: Likely benign for DYNC1H1-related condition. Last evaluated: 2025-05-29. Review status: criteria provided, single submitter. Criteria: ACMG Guidelines, 2015. Collection method: clinical testing. Allele origin: germline.
Comment: This variant is classified as likely benign based on ACMG/AMP sequence variant interpretation guidelines (Richards et al. 2015 PMID: 25741868, with internal and published modifications).

Labcorp Genetics (formerly Invitae), Labcorp
Classification: Likely benign for Charcot-Marie-Tooth disease axonal type 2O. Last evaluated: 2025-04-23. Review status: criteria provided, single submitter. Criteria: Invitae Variant Classification Sherloc (09022015). Collection method: clinical testing. Allele origin: germline.

Ambry Genetics
Classification: Likely benign for Inborn genetic diseases. Last evaluated: 2021-04-09. Review status: criteria provided, single submitter. Criteria: Ambry Variant Classification Scheme 2023. Collection method: clinical testing. Allele origin: germline.

GeneDx
Classification: Likely benign. Last evaluated: 2021-03-04. Review status: criteria provided, single submitter. Criteria: GeneDx Variant Classification Process June 2021. Collection method: clinical testing. Allele origin: germline. Affected: yes.

NM_001376.5(DYNC1H1):c.2539-6C>T

Gene: DYNC1H1 (dynein cytoplasmic 1 heavy chain 1; plus strand). Cytogenetic location: 14q32.31.
Variant type: single nucleotide variant.
Coding change: c.2539-6C>T on transcript NM_001376.5 (MANE Select); 6 bases into the intron before coding-DNA position 2539, C replaced by T.
Molecular consequence: intron variant.
Genome position (GRCh38, 1-based): chr14:101,987,447, C>T. VCF-style: chr14-101987447-C-T. GRCh37 (hg19) VCF-style: chr14-102453784-C-T.
Identifiers: ClinVar variation 682496 (VCV000682496.14), dbSNP rs535465221, ClinGen allele CA7351848.